The following is an entry in ClinVar:

ClinVar aggregate classification (germline): Uncertain significance (1 of 4 stars; one submission).

Conditions:
Early-infantile DEE. Also called: Ohtahara syndrome; Early infantile epileptic encephalopathy; Early infantile epileptic encephalopathy with suppression bursts. Identifiers: Orphanet 1934, MedGen C0393706, MONDO:0800491.

Allele frequency attached by ClinVar (database versions not stated): gnomAD exomes below 0.00001.
gnomAD v4.1: 1 of 1,608,468 alleles (0.000062%); highest among the groups gnomAD compares: Non-Finnish European, 0.000085%; no homozygotes.

Submission:

Labcorp Genetics (formerly Invitae), Labcorp
Classification: Uncertain significance for Early-infantile DEE. Last evaluated: 2023-09-19. Review status: criteria provided, single submitter. Criteria: Invitae Variant Classification Sherloc (09022015). Collection method: clinical testing. Allele origin: germline.
Comment: In summary, the available evidence is currently insufficient to determine the role of this variant in disease. Therefore, it has been classified as a Variant of Uncertain Significance. Advanced modeling of protein sequence and biophysical properties (such as structural, functional, and spatial information, amino acid conservation, physicochemical variation, residue mobility, and thermodynamic stability) performed at Invitae indicates that this missense variant is not expected to disrupt SCN8A protein function. This variant has not been reported in the literature in individuals affected with SCN8A-related conditions. This variant is not present in population databases (gnomAD no frequency). This sequence change replaces valine, which is neutral and non-polar, with isoleucine, which is neutral and non-polar, at codon 1146 of the SCN8A protein (p.Val1146Ile).

NM_001330260.2(SCN8A):c.3436G>A (p.Val1146Ile)

Gene: SCN8A (sodium voltage-gated channel alpha subunit 8; plus strand). Cytogenetic location: 12q13.13.
Variant type: single nucleotide variant.
Coding change: c.3436G>A on transcript NM_001330260.2 (MANE Select); coding-DNA position 3436, G replaced by A.
Protein change: p.Val1146Ile; replaces valine 1146 with isoleucine.
Molecular consequence: missense variant.
Genome position (GRCh38, 1-based): chr12:51,769,931, G>A. VCF-style: chr12-51769931-G-A. GRCh37 (hg19) VCF-style: chr12-52163715-G-A.
Other names: c.3436G>A, p.Val1146Ile (NM_001177984.3, NM_001369788.1, NM_014191.4); short protein forms V1146I.
Identifiers: ClinVar variation 2884598 (VCV002884598.3), dbSNP rs1439234909, ClinGen allele CA384895401.